The following is an entry in ClinVar:

NM_145868.2(ANXA11):c.124G>A (p.Val42Met)

Gene: ANXA11 (annexin A11; minus strand). Cytogenetic location: 10q22.3.
Variant type: single nucleotide variant.
Coding change: c.124G>A on transcript NM_145868.2 (MANE Select); coding-DNA position 124, G replaced by A.
Protein change: p.Val42Met; replaces valine 42 with methionine.
Molecular consequence: missense variant.
Genome position (GRCh38, 1-based): chr10:80,170,847, C>T on the plus strand (G>A on the coding strand, the complement: ANXA11 is on the minus strand). VCF-style: chr10-80170847-C-T. GRCh37 (hg19) VCF-style: chr10-81930603-C-T.
Other names: p.Val42Met; c.124G>A (NM_145869.1); c.124G>A, p.Val42Met (NM_001278408.2, NM_145869.2, NM_001157.3 and 1 more transcripts); c.25G>A, p.Val9Met (NM_001278409.2); short protein forms V42M, V9M.
Identifiers: ClinVar variation 1485946 (VCV001485946.9), dbSNP rs764886073, ClinGen allele CA5576376.

ClinVar aggregate classification (germline): Uncertain significance. Review status: criteria provided, multiple submitters, no conflicts (2 of 4 stars). 3 submissions from 3 submitters: Uncertain significance (2). 1 of the submissions does not count toward it. Last evaluated 2025-12-16.

Conditions:
ANXA11-related disorder. Also called: ANXA11-related condition.

Allele frequency attached by ClinVar (database versions not stated): gnomAD exomes 0.00005 and 0.00007; gnomAD 0.00006 and 0.00007; ExAC 0.00007; TOPMed 0.00007.
gnomAD v4.1: 106 of 1,523,808 alleles (0.007%); highest among the groups gnomAD compares: Admixed American, 0.011%; no homozygotes.

Submissions (3):

Mayo Clinic Laboratories, Mayo Clinic
Classification: Uncertain significance. Last evaluated: 2025-12-16. Review status: criteria provided, single submitter. Criteria: ACMG Guidelines, 2015. Collection method: clinical testing. Allele origin: germline. Observed: 1 variant allele.
Comment: BP4_moderate

Labcorp Genetics (formerly Invitae), Labcorp
Classification: Uncertain significance. Last evaluated: 2023-12-24. Review status: criteria provided, single submitter. Criteria: Invitae Variant Classification Sherloc (09022015). Collection method: clinical testing. Allele origin: germline.
Comment: This sequence change replaces valine, which is neutral and non-polar, with methionine, which is neutral and non-polar, at codon 42 of the ANXA11 protein (p.Val42Met). This variant is present in population databases (rs764886073, gnomAD 0.02%). This variant has not been reported in the literature in individuals affected with ANXA11-related conditions. ClinVar contains an entry for this variant (Variation ID: 1485946). Algorithms developed to predict the effect of missense changes on protein structure and function output the following: SIFT: "Not Available"; PolyPhen-2: "Not Available"; Align-GVGD: "Not Available". The methionine amino acid residue is found in multiple mammalian species, which suggests that this missense change does not adversely affect protein function. In summary, the available evidence is currently insufficient to determine the role of this variant in disease. Therefore, it has been classified as a Variant of Uncertain Significance.

PreventionGenetics, part of Exact Sciences
Classification: Uncertain significance for ANXA11-related condition. Last evaluated: 2024-09-28. Review status: no assertion criteria provided. Collection method: clinical testing. Allele origin: germline. Not counted in ClinVar's aggregate classification.
Comment: The ANXA11 c.124G>A variant is predicted to result in the amino acid substitution p.Val42Met. To our knowledge, this variant has not been reported in the literature. This variant is reported in 0.015% of alleles in individuals of East Asian descent in gnomAD. Although we suspect that this variant may be benign, at this time, the clinical significance of this variant is uncertain due to the absence of conclusive functional and genetic evidence.